The following is an entry in ClinVar:

ClinVar aggregate classification (germline): Uncertain significance (1 of 4 stars; one submission).

Conditions:
Hereditary cancer-predisposing syndrome. Also called: Neoplastic Syndromes, Hereditary; Tumor predisposition; Hereditary neoplastic syndrome; Hereditary Cancer Syndrome. Identifiers: Orphanet 140162, MedGen C0027672, MeSH D009386, MONDO:0015356.

Submission:

Ambry Genetics
Classification: Uncertain significance for Hereditary cancer-predisposing syndrome. Last evaluated: 2024-02-16. Review status: criteria provided, single submitter. Criteria: Ambry Variant Classification Scheme 2023. Collection method: clinical testing. Allele origin: germline.
Comment: The p.P1331R variant (also known as c.3992C>G), located in coding exon 28 of the SMARCA4 gene, results from a C to G substitution at nucleotide position 3992. The proline at codon 1331 is replaced by arginine, an amino acid with dissimilar properties. This amino acid position is highly conserved in available vertebrate species. In addition, this alteration is predicted to be deleterious by in silico analysis. Based on the available evidence, the clinical significance of this alteration remains unclear.

NM_003072.5(SMARCA4):c.3992C>G (p.Pro1331Arg)

Gene: SMARCA4 (SWI/SNF related BAF chromatin remodeling complex subunit ATPase 4; plus strand). Cytogenetic location: 19p13.2.
Variant type: single nucleotide variant.
Coding change: c.3992C>G on transcript NM_003072.5 (MANE Select); coding-DNA position 3992, C replaced by G.
Protein change: p.Pro1331Arg; replaces proline 1331 with arginine.
Molecular consequence: missense variant. On other transcripts: non-coding transcript variant (1).
Genome position (GRCh38, 1-based): chr19:11,034,954, C>G. VCF-style: chr19-11034954-C-G. GRCh37 (hg19) VCF-style: chr19-11145630-C-G.
Other names: c.3992C>G, p.Pro1331Arg (NM_001128844.3, NM_001128849.3, NM_001387283.1); c.3893C>G, p.Pro1298Arg (NM_001128845.2, NM_001128846.2, NM_001128847.4 and 3 more transcripts); short protein forms P1298R, P1331R.
Identifiers: ClinVar variation 3233119 (VCV003233119.1), dbSNP rs1568514190, ClinGen allele CA404068069.